The following is an entry in ClinVar:

ClinVar aggregate classification (germline): Benign. Review status: criteria provided, multiple submitters, no conflicts (2 of 4 stars). 2 submissions from 2 submitters: Benign (2). Last evaluated 2018-01-12.

Conditions:
Peutz-Jeghers syndrome (PJS). Also called: POLYPOSIS, HAMARTOMATOUS INTESTINAL; POLYPS-AND-SPOTS SYNDROME; Peutz-Jeghers polyposis; Periorificial lentiginosis syndrome. Identifiers: Orphanet 2869, MedGen C0031269, MeSH D010580, MONDO:0008280, OMIM 175200.

Allele frequency attached by ClinVar (database versions not stated): gnomAD 0.00001 and 0.00027; TOPMed 0.00002; 1000 Genomes Project 0.00140; 1000 Genomes Project 30x 0.00187.
gnomAD v4.1: 190 of 1,065,046 alleles (0.018%); highest among the groups gnomAD compares: South Asian, 0.77%; 1 homozygote.

Submissions (2):

Illumina Laboratory Services, Illumina
Classification: Benign for Peutz-Jeghers syndrome. Last evaluated: 2018-01-12. Review status: criteria provided, single submitter. Criteria: ICSL Variant Classification Criteria 13 December 2019. Collection method: clinical testing. Allele origin: germline.
Comment: This variant was observed in the ICSL laboratory as part of a predisposition screen in an ostensibly healthy population. It had not been previously curated by ICSL or reported in the Human Gene Mutation Database (HGMD: prior to June 1st, 2018), and was therefore a candidate for classification through an automated scoring system. Utilizing variant allele frequency, disease prevalence and penetrance estimates, and inheritance mode, an automated score was calculated to assess if this variant is too frequent to cause the disease. Based on the score and internal cut-off values, a variant classified as benign is not then subjected to further curation. The score for this variant resulted in a classification of benign for this disease.

Breakthrough Genomics
Classification: Benign. Review status: criteria provided, single submitter. Criteria: ACMG Guidelines, 2015. Collection method: not provided. Allele origin: germline. Inheritance: Autosomal dominant inheritance. Affected: yes.

NM_000455.5(STK11):c.*494T>A

Gene: STK11 (serine/threonine kinase 11; plus strand). Cytogenetic location: 19p13.3.
Variant type: single nucleotide variant.
Coding change: c.*494T>A on transcript NM_000455.5 (MANE Select); 494 bases downstream of the stop codon, T replaced by A.
Molecular consequence: 3 prime UTR variant.
Genome position (GRCh38, 1-based): chr19:1,228,070, T>A. VCF-style: chr19-1228070-T-A. GRCh37 (hg19) VCF-style: chr19-1228069-T-A.
Identifiers: ClinVar variation 328242 (VCV000328242.6), dbSNP rs577030468, ClinGen allele CA10648305.
Genomic context (GRCh38, chr19:1,228,070, plus strand): 5'-CGCGCGGCCGCTTTGGTTTTTTGTTTGGTTGGTTCCATTTTCTTTTTTTCTTTTTTTTTT[T>A]AAGAAAAAATAAAAGGTGGATTTGAGCTGTGGCTGTGAGGGGTGTTTGGGAGCTGCTGGG-3'